The following is an entry in ClinVar:

NM_000834.5(GRIN2B):c.2755C>A (p.Gln919Lys)

Gene: GRIN2B (glutamate ionotropic receptor NMDA type subunit 2B; minus strand). Cytogenetic location: 12p13.1.
Variant type: single nucleotide variant.
Coding change: c.2755C>A on transcript NM_000834.5 (MANE Select); coding-DNA position 2755, C replaced by A.
Protein change: p.Gln919Lys; replaces glutamine 919 with lysine.
Molecular consequence: missense variant.
Genome position (GRCh38, 1-based): chr12:13,564,483, G>T on the plus strand (C>A on the coding strand, the complement: GRIN2B is on the minus strand). VCF-style: chr12-13564483-G-T. GRCh37 (hg19) VCF-style: chr12-13717417-G-T.
Other names: short protein forms Q919K.
Identifiers: ClinVar variation 851821 (VCV000851821.10), dbSNP rs1555102548, ClinGen allele CA383993752.
Genomic context (GRCh38, chr12:13,564,483, plus strand): 5'-GGCGGTGCTCTGAGATGTCATAGACGGATGACTCCCGTCGGATGAAGTCCAGGGCGCTCT[G>T]CGGTGAGCCATTCACACCAGACAGGTTAGCCATGTTCTTGGCCGTGCGCAGCAGGCGCAG-3'
Protein context (NP_000825.2, residues 909-929): ANLSGVNGSP[Gln919Lys]SALDFIRRES

ClinVar aggregate classification (germline): Uncertain significance (1 of 4 stars; one submission).

Conditions:
Intellectual developmental disorder, autosomal dominant 6, with or without seizures. Also called: Intellectual disability, autosomal dominant 6; GRIN2B-related developmental delay, intellectual disability and autism spectrum disorder. Identifiers: Orphanet 589547, MedGen C3151411, MONDO:0013509, OMIM 613970.
Developmental and epileptic encephalopathy, 27 (DEE27). Also called: GRIN2B-Related Neurodevelopmental Disorder; Epileptic encephalopathy, early infantile, 27. Identifiers: Orphanet 3451, MedGen C4015316, MONDO:0014505, OMIM 616139.

Submission:

Labcorp Genetics (formerly Invitae), Labcorp
Classification: Uncertain significance for Developmental and epileptic encephalopathy, 27; Intellectual developmental disorder, autosomal dominant 6, with or without seizures. Last evaluated: 2019-04-08. Review status: criteria provided, single submitter. Criteria: Invitae Variant Classification Sherloc (09022015). Collection method: clinical testing. Allele origin: germline.
Comment: In summary, the available evidence is currently insufficient to determine the role of this variant in disease. Therefore, it has been classified as a Variant of Uncertain Significance. Algorithms developed to predict the effect of missense changes on protein structure and function (SIFT, PolyPhen-2, Align-GVGD) all suggest that this variant is likely to be tolerated, but these predictions have not been confirmed by published functional studies and their clinical significance is uncertain. This variant has not been reported in the literature in individuals with GRIN2B-related conditions. This variant is not present in population databases (ExAC no frequency). This sequence change replaces glutamine with lysine at codon 919 of the GRIN2B protein (p.Gln919Lys). The glutamine residue is moderately conserved and there is a small physicochemical difference between glutamine and lysine.